The following is an entry in ClinVar:

ClinVar aggregate classification (germline): Uncertain significance (1 of 4 stars; one submission).

Conditions:
Hypertrophic cardiomyopathy. Also called: HYPERTROPHIC MYOCARDIOPATHY. Identifiers: Orphanet 217569, MedGen C0007194, MeSH D002312, MONDO:0005045, HP:0001639.

Allele frequency attached by ClinVar (database versions not stated): gnomAD exomes below 0.00001.
gnomAD v4.1: 2 of 1,614,198 alleles (0.00012%); highest among the groups gnomAD compares: Non-Finnish European, 0.00017%; no homozygotes.

Submission:

Labcorp Genetics (formerly Invitae), Labcorp
Classification: Uncertain significance for Hypertrophic cardiomyopathy. Last evaluated: 2025-02-16. Review status: criteria provided, single submitter. Criteria: Invitae Variant Classification Sherloc (09022015). Collection method: clinical testing. Allele origin: germline.
Comment: This sequence change replaces threonine, which is neutral and polar, with isoleucine, which is neutral and non-polar, at codon 1309 of the MYH7 protein (p.Thr1309Ile). This variant is not present in population databases (gnomAD no frequency). This missense change has been observed in individual(s) with left ventricular noncompaction (PMID: 37342443). ClinVar contains an entry for this variant (Variation ID: 2835551). Invitae Evidence Modeling of protein sequence and biophysical properties (such as structural, functional, and spatial information, amino acid conservation, physicochemical variation, residue mobility, and thermodynamic stability) indicates that this missense variant is expected to disrupt MYH7 protein function with a positive predictive value of 95%. In summary, the available evidence is currently insufficient to determine the role of this variant in disease. Therefore, it has been classified as a Variant of Uncertain Significance.

Literature cited by the submitters: PubMed 37342443.

NM_000257.4(MYH7):c.3926C>T (p.Thr1309Ile)

Gene: MYH7 (myosin heavy chain 7; minus strand). Cytogenetic location: 14q11.2.
Variant type: single nucleotide variant.
Coding change: c.3926C>T on transcript NM_000257.4 (MANE Select); coding-DNA position 3926, C replaced by T.
Protein change: p.Thr1309Ile; replaces threonine 1309 with isoleucine.
Molecular consequence: missense variant.
Genome position (GRCh38, 1-based): chr14:23,419,223, G>A on the plus strand (C>T on the coding strand, the complement: MYH7 is on the minus strand). VCF-style: chr14-23419223-G-A. GRCh37 (hg19) VCF-style: chr14-23888432-G-A.
Other names: c.3926C>T, p.Thr1309Ile (NM_001407004.1); short protein forms T1309I.
Identifiers: ClinVar variation 2835551 (VCV002835551.3), dbSNP rs2502260279, ClinGen allele CA389041572.